The following is an entry in ClinVar:

ClinVar aggregate classification (germline): Uncertain significance. Review status: criteria provided, multiple submitters, no conflicts (2 of 4 stars). 3 submissions from 3 submitters: Uncertain significance (3). Last evaluated 2024-01-04.

Allele frequency attached by ClinVar (database versions not stated): gnomAD exomes 0.00001; TOPMed 0.00002; gnomAD 0.00003; 1000 Genomes Project 30x 0.00016; 1000 Genomes Project 0.00020.
gnomAD v4.1: 24 of 1,614,144 alleles (0.0015%); highest among the groups gnomAD compares: Middle Eastern, 0.016%; no homozygotes.

Submissions (3):

Labcorp Genetics (formerly Invitae), Labcorp
Classification: Uncertain significance. Last evaluated: 2024-01-04. Review status: criteria provided, single submitter. Criteria: Invitae Variant Classification Sherloc (09022015). Collection method: clinical testing. Allele origin: germline.
Comment: This sequence change replaces isoleucine, which is neutral and non-polar, with valine, which is neutral and non-polar, at codon 76 of the COL4A4 protein (p.Ile76Val). This variant is present in population databases (rs546883881, gnomAD 0.002%). This variant has not been reported in the literature in individuals affected with COL4A4-related conditions. Advanced modeling of protein sequence and biophysical properties (such as structural, functional, and spatial information, amino acid conservation, physicochemical variation, residue mobility, and thermodynamic stability) performed at Invitae indicates that this missense variant is not expected to disrupt COL4A4 protein function with a negative predictive value of 95%. In summary, the available evidence is currently insufficient to determine the role of this variant in disease. Therefore, it has been classified as a Variant of Uncertain Significance.

Blueprint Genetics
Classification: Uncertain significance. Last evaluated: 2022-11-18. Review status: criteria provided, single submitter. Criteria: ACMG Guidelines, 2015. Collection method: clinical testing. Allele origin: germline.

Breakthrough Genomics
Classification: Uncertain significance. Review status: criteria provided, single submitter. Criteria: ACMG Guidelines, 2015. Collection method: not provided. Allele origin: germline. Inheritance: Autosomal recessive inheritance. Affected: yes.

NM_000092.5(COL4A4):c.226A>G (p.Ile76Val)

Gene: COL4A4 (collagen type IV alpha 4 chain; minus strand). Cytogenetic location: 2q36.3.
Variant type: single nucleotide variant.
Coding change: c.226A>G on transcript NM_000092.5 (MANE Select); coding-DNA position 226, A replaced by G.
Protein change: p.Ile76Val; replaces isoleucine 76 with valine.
Molecular consequence: missense variant.
Genome position (GRCh38, 1-based): chr2:227,121,115, T>C on the plus strand (A>G on the coding strand, the complement: COL4A4 is on the minus strand). VCF-style: chr2-227121115-T-C. GRCh37 (hg19) VCF-style: chr2-227985831-T-C.
Other names: short protein forms I76V.
Identifiers: ClinVar variation 2767676 (VCV002767676.3), dbSNP rs546883881, ClinGen allele CA66577379.
Genomic context (GRCh38, chr2:227,121,115, plus strand): 5'-CCCCTCTCATTCCTTTCTCTCCTGAAAGCCCAATGGGTCCTGGGGCTCCCAGGGGTCCAA[T>C]TGGACCCTGTGGCCCTGGTGGTCCTGGTGGACCCTGAGAAGGAAGATTAAAAAGAAATGG-3'
Protein context (NP_000083.3, residues 66-86): PPGPPGPQGP[Ile76Val]GPLGAPGPIG